The following is an entry in ClinVar:

NM_001267550.2(TTN):c.9502T>G (p.Phe3168Val)

Gene: TTN (titin; minus strand). Cytogenetic location: 2q31.2.
Variant type: single nucleotide variant.
Coding change: c.9502T>G on transcript NM_001267550.2 (MANE Select); coding-DNA position 9502, T replaced by G.
Protein change: p.Phe3168Val; replaces phenylalanine 3168 with valine.
Molecular consequence: missense variant.
Genome position (GRCh38, 1-based): chr2:178,766,582, A>C on the plus strand (T>G on the coding strand, the complement: TTN is on the minus strand). VCF-style: chr2-178766582-A-C. GRCh37 (hg19) VCF-style: chr2-179631309-A-C.
Other names: c.9502T>G, p.Phe3168Val (NM_001256850.1, NM_133378.4, NM_133379.5); c.9364T>G, p.Phe3122Val (NM_003319.4, NM_133432.3, NM_133437.4); short protein forms F3168V, F3122V.
Identifiers: ClinVar variation 467667 (VCV000467667.7), dbSNP rs746038856, ClinGen allele CA2004303.
Genomic context (GRCh38, chr2:178,766,582, plus strand): 5'-AATTGATTTCAATGCCATCTTTATACCAGTGGGCATCAACATCGTCTTCATTGACCTCAA[A>C]TTCAACAACAGCACGCTGTTTCTCAATGACCTGTTGATGGAACAACATAAAAAAACAACA-3'
Protein context (NP_001254479.2, residues 3158-3178): VIEKQRAVVE[Phe3168Val]EVNEDDVDAH

ClinVar aggregate classification (germline): Uncertain significance (1 of 4 stars; one submission).

Conditions:
Autosomal recessive limb-girdle muscular dystrophy type 2J (LGMDR10). Also called: Limb-girdle muscular dystrophy, type 2J; MUSCULAR DYSTROPHY, LIMB-GIRDLE, AUTOSOMAL RECESSIVE 10. Identifiers: Orphanet 140922, MedGen C1837342, MONDO:0012127, OMIM 608807.
Dilated cardiomyopathy 1G (CMD1G). Identifiers: Orphanet 154, MedGen C1858763, MONDO:0011400, OMIM 604145.

Allele frequency attached by ClinVar (database versions not stated): gnomAD exomes below 0.00001 and 0.00001; TOPMed below 0.00001; ExAC 0.00001.
gnomAD v4.1: 2 of 1,614,034 alleles (0.00012%); highest among the groups gnomAD compares: Admixed American, 0.0033%; no homozygotes.

Submission:

Labcorp Genetics (formerly Invitae), Labcorp
Classification: Uncertain significance for Dilated cardiomyopathy 1G; Autosomal recessive limb-girdle muscular dystrophy type 2J. Last evaluated: 2023-01-20. Review status: criteria provided, single submitter. Criteria: Invitae Variant Classification Sherloc (09022015). Collection method: clinical testing. Allele origin: germline.
Comment: This variant has not been reported in the literature in individuals affected with TTN-related conditions. In summary, the available evidence is currently insufficient to determine the role of this variant in disease. Therefore, it has been classified as a Variant of Uncertain Significance. This variant is located in the I band of TTN (PMID: 25589632). Variants in this region may be clinically relevant, but have not been definitively shown to cause cardiomyopathy or neuromuscular disease (PMID: 27493940, 32778822). Experimental studies and prediction algorithms are not available or were not evaluated, and the functional significance of this variant is currently unknown. ClinVar contains an entry for this variant (Variation ID: 467667). This variant is present in population databases (rs746038856, gnomAD 0.006%). This sequence change replaces phenylalanine, which is neutral and non-polar, with valine, which is neutral and non-polar, at codon 3168 of the TTN protein (p.Phe3168Val).

Literature cited by the submitters: PubMed 25589632; PubMed 27493940; PubMed 32778822.